The following is an entry in ClinVar:

ClinVar aggregate classification (germline): Uncertain significance. Review status: criteria provided, multiple submitters, no conflicts (2 of 4 stars). 2 submissions from 2 submitters: Uncertain significance (2). Last evaluated 2025-07-18.

Conditions:
Inborn genetic diseases. Identifiers: MedGen C0950123, MeSH D030342.

Allele frequency attached by ClinVar (database versions not stated): gnomAD exomes below 0.00001.
gnomAD v4.1: 2 of 1,550,632 alleles (0.00013%); highest among the groups gnomAD compares: African/African-American, 0.0014%; no homozygotes.

Submissions (2):

GeneDx
Classification: Uncertain significance. Last evaluated: 2025-07-18. Review status: criteria provided, single submitter. Criteria: GeneDx Variant Classification Process June 2021. Collection method: clinical testing. Allele origin: germline. Affected: yes.
Comment: Not observed at significant frequency in large population cohorts (gnomAD); In silico analysis supports that this missense variant has a deleterious effect on protein structure/function; Has not been previously published as pathogenic or benign to our knowledge

Ambry Genetics
Classification: Uncertain significance for Inborn genetic diseases. Last evaluated: 2022-04-25. Review status: criteria provided, single submitter. Criteria: Ambry Variant Classification Scheme 2023. Collection method: clinical testing. Allele origin: germline.

NM_001353345.2(SETD1B):c.4078C>G (p.Pro1360Ala)

Gene: SETD1B (SET domain containing 1B, histone lysine methyltransferase; plus strand). Cytogenetic location: 12q24.31.
Variant type: single nucleotide variant.
Coding change: c.4078C>G on transcript NM_001353345.2 (MANE Select); coding-DNA position 4078, C replaced by G.
Protein change: p.Pro1360Ala; replaces proline 1360 with alanine.
Molecular consequence: missense variant.
Genome position (GRCh38, 1-based): chr12:121,822,657, C>G. VCF-style: chr12-121822657-C-G. GRCh37 (hg19) VCF-style: chr12-122260563-C-G.
Other names: NM_015048.1:c.3949C>G; c.4078C>G (NM_001353345.1); short protein forms P1360A.
Identifiers: ClinVar variation 2285519 (VCV002285519.3), dbSNP rs923814114, ClinGen allele CA386998287.